The following is an entry in ClinVar:

NM_001048174.2(MUTYH):c.1543A>C (p.Ser515Arg)

Gene: MUTYH (mutY DNA glycosylase; minus strand). Cytogenetic location: 1p34.1.
Variant type: single nucleotide variant.
Coding change: c.1543A>C on transcript NM_001048174.2 (MANE Select); coding-DNA position 1543, A replaced by C.
Protein change: p.Ser515Arg; replaces serine 515 with arginine.
Molecular consequence: missense variant. On other transcripts: non-coding transcript variant (7).
Genome position (GRCh38, 1-based): chr1:45,329,329, T>G on the plus strand (A>C on the coding strand, the complement: MUTYH is on the minus strand). VCF-style: chr1-45329329-T-G. GRCh37 (hg19) VCF-style: chr1-45795001-T-G.
Other names: c.1546A>C, p.Ser516Arg (NM_001407086.1, NM_001407071.1, NM_001407078.1 and 1 more transcripts); c.1564A>C, p.Ser522Arg (NM_001407087.1); c.1543A>C, p.Ser515Arg (NM_001407088.1, NM_001407089.1, NM_001407072.1 and 6 more transcripts); c.1267A>C, p.Ser423Arg (NM_001407091.1, NM_001293192.2, NM_001293196.2); c.1618A>C, p.Ser540Arg (NM_012222.3); c.1459A>C, p.Ser487Arg (NM_001407075.1); c.1576A>C, p.Ser526Arg (NM_001407077.1, NM_001293191.2, NM_001407069.1); c.1504A>C, p.Ser502Arg (NM_001407079.1); and 5 more; short protein forms S502R, S515R, S522R, S526R, S530R, S540R, S487R, S543R.
Identifiers: ClinVar variation 4113460 (VCV004113460.1).
Genomic context (GRCh38, chr1:45,329,329, plus strand): 5'-CAACAGGATTCTCAGGGAATGGGGGCTTTCAGAGGTGTCACTGGGCTGCACTGTTGAGGC[T>G]GTGTGCATCAGTGGAGATGTGAGACCGAAAGAAATTATCCAGGACTTGCTGGCCCATGCG-3'
Protein context (NP_001041639.1, residues 505-521): FRSHISTDAH[Ser515Arg]LNSAAQ

ClinVar aggregate classification (germline): Uncertain significance (1 of 4 stars; one submission).

Conditions:
Hereditary cancer-predisposing syndrome. Also called: Hereditary neoplastic syndrome; Neoplastic Syndromes, Hereditary; Tumor predisposition; Hereditary Cancer Syndrome. Identifiers: Orphanet 140162, MedGen C0027672, MeSH D009386, MONDO:0015356.

Submission:

Ambry Genetics
Classification: Uncertain significance for Hereditary cancer-predisposing syndrome. Last evaluated: 2025-08-27. Review status: criteria provided, single submitter. Criteria: Ambry Variant Classification Scheme 2023. Collection method: clinical testing. Allele origin: germline.
Comment: The p.S543R variant (also known as c.1627A>C), located in coding exon 16 of the MUTYH gene, results from an A to C substitution at nucleotide position 1627. The serine at codon 543 is replaced by arginine, an amino acid with dissimilar properties. This amino acid position is conserved. In addition, this alteration is predicted to be tolerated by in silico analysis. Based on the available evidence, the clinical significance of this variant remains unclear.